The following is an entry in ClinVar:

NM_005089.4(ZRSR2):c.1312_1326dup (p.Arg442_Ser443insGlySerArgSerArg)

Gene: ZRSR2 (zinc finger CCCH-type, RNA binding motif and serine/arginine rich 2; plus strand). Cytogenetic location: Xp22.2.
Variant type: Duplication.
Coding change: c.1312_1326dup on transcript NM_005089.4 (MANE Select); coding-DNA positions 1312 to 1326, 15 bases duplicated (GGCAGCCGGAGCCGG).
Protein change: p.Arg442_Ser443insGlySerArgSerArg.
Molecular consequence: inframe insertion.
Genome position (GRCh38, 1-based): chrX:15,823,105-15,823,119, GGCAGCCGGAGCCGG duplicated; duplicating any 15 consecutive bases within chrX:15,823,100-15,823,119 gives the same sequence; the c. name uses the placement nearest the transcript's 3' end. VCF-style (leftmost placement, unchanged base first): chrX-15823099-G-GGCCGGGGCAGCCGGA. GRCh37 (hg19) VCF-style: chrX-15841222-G-GGCCGGGGCAGCCGGA.
Identifiers: ClinVar variation 3388568 (VCV003388568.14).
Genomic context (GRCh38, chrX:15,823,099, plus strand): 5'-GAGAGGCACAATTCACGAAGCAGAGGAAGAAATAGGGACCGCAGCAGGGACCGCAGCCGG[G>GGCCGGGGCAGCCGGA]GCCGGGGCAGCCGGAGCCGGAGCCGGAGCCGGAGCCGCAGGAGCCGCCGCAGCCGGAGCC-3'

ClinVar aggregate classification (germline): Likely benign (1 of 4 stars; one submission).

Submission:

CeGaT Center for Human Genetics Tuebingen
Classification: Likely benign. Last evaluated: 2024-09-01. Review status: criteria provided, single submitter. Criteria: CeGaT Center For Human Genetics Tuebingen Variant Classification Criteria Version 2. Collection method: clinical testing. Allele origin: germline. Affected: yes. Observed: 1 variant allele.
Comment: ZRSR2: PM4, BS2